The following is an entry in ClinVar:

NM_198578.4(LRRK2):c.3131G>T (p.Ser1044Ile)

Gene: LRRK2 (leucine rich repeat kinase 2; plus strand). Cytogenetic location: 12q12.
Variant type: single nucleotide variant.
Coding change: c.3131G>T on transcript NM_198578.4 (MANE Select); coding-DNA position 3131, G replaced by T.
Protein change: p.Ser1044Ile; replaces serine 1044 with isoleucine.
Molecular consequence: missense variant.
Genome position (GRCh38, 1-based): chr12:40,298,277, G>T. VCF-style: chr12-40298277-G-T. GRCh37 (hg19) VCF-style: chr12-40692079-G-T.
Other names: short protein forms S1044I.
Identifiers: ClinVar variation 1727974 (VCV001727974.2), dbSNP rs760333235, ClinGen allele CA6513847.
Genomic context (GRCh38, chr12:40,298,277, plus strand): 5'-AGAATTTTAAACTATTGTCTTTTCAGACTCTGAAGAGTTTGACACATTTGGACTTGCACA[G>T]TAATAAATTTACATCATTTCCTTCTTATTTGTTGAAAATGAGTTGTATTGCTAATCTTGA-3'
Protein context (NP_940980.4, residues 1034-1054): LKSLTHLDLH[Ser1044Ile]NKFTSFPSYL

ClinVar aggregate classification (germline): Uncertain significance (1 of 4 stars; one submission).

Conditions:
Inborn genetic diseases. Identifiers: MedGen C0950123, MeSH D030342.

Allele frequency attached by ClinVar (database versions not stated): ExAC 0.00001; gnomAD exomes 0.00001.
gnomAD v4.1: 4 of 1,613,632 alleles (0.00025%); highest among the groups gnomAD compares: Admixed American, 0.0067%; no homozygotes.

Submission:

Ambry Genetics
Classification: Uncertain significance for Inborn genetic diseases. Last evaluated: 2022-09-05. Review status: criteria provided, single submitter. Criteria: Ambry Variant Classification Scheme 2023. Collection method: clinical testing. Allele origin: germline.
Comment: The p.S1044I variant (also known as c.3131G>T), located in coding exon 24 of the LRRK2 gene, results from a G to T substitution at nucleotide position 3131. The serine at codon 1044 is replaced by isoleucine, an amino acid with dissimilar properties. This amino acid position is conserved. In addition, the in silico prediction for this alteration is inconclusive. Since supporting evidence is limited at this time, the clinical significance of this alteration remains unclear.